The following is an entry in ClinVar:

NM_020247.5(COQ8A):c.1080+33T>C

Gene: COQ8A (coenzyme Q8A; plus strand). Cytogenetic location: 1q42.13.
Variant type: single nucleotide variant.
Coding change: c.1080+33T>C on transcript NM_020247.5 (MANE Select); 33 bases into the intron after coding-DNA position 1080, T replaced by C.
Molecular consequence: intron variant.
Genome position (GRCh38, 1-based): chr1:226,983,067, T>C. VCF-style: chr1-226983067-T-C. GRCh37 (hg19) VCF-style: chr1-227170768-T-C.
Identifiers: ClinVar variation 671532 (VCV000671532.2), dbSNP rs2256060, ClinGen allele CA1425289.

ClinVar aggregate classification (germline): Benign. Review status: criteria provided, multiple submitters, no conflicts (2 of 4 stars). 2 submissions from 2 submitters: Benign (2). Last evaluated 2018-06-14.

Allele frequency attached by ClinVar (database versions not stated): ESP Exome Variant Server 0.19896; ExAC 0.22847; TOPMed 0.23161; 1000 Genomes Project 0.23942; 1000 Genomes Project 30x 0.24141.
gnomAD v4.1: 291,569 of 1,562,312 alleles (19%); highest among the groups gnomAD compares: Admixed American, 33%; 28,727 homozygotes.

Submissions (2):

GeneDx
Classification: Benign. Last evaluated: 2018-06-14. Review status: criteria provided, single submitter. Criteria: GeneDx Variant Classification (06012015). Collection method: clinical testing. Allele origin: germline. Affected: yes.
Comment: This variant is considered likely benign or benign based on one or more of the following criteria: it is a conservative change, it occurs at a poorly conserved position in the protein, it is predicted to be benign by multiple in silico algorithms, and/or has population frequency not consistent with disease.

Breakthrough Genomics
Classification: Benign. Review status: criteria provided, single submitter. Criteria: ACMG Guidelines, 2015. Collection method: not provided. Allele origin: germline. Inheritance: Autosomal recessive inheritance. Affected: yes.